The following is an entry in ClinVar:

ClinVar aggregate classification (germline): Uncertain significance (1 of 4 stars; one submission).

Conditions:
Inborn genetic diseases. Identifiers: MedGen C0950123, MeSH D030342.

Submission:

Ambry Genetics
Classification: Uncertain significance for Inborn genetic diseases. Last evaluated: 2025-12-12. Review status: criteria provided, single submitter. Criteria: Ambry Variant Classification Scheme 2023. Collection method: clinical testing. Allele origin: germline.
Comment: The p.L94H variant (also known as c.281T>A), located in coding exon 3 of the DDX41 gene, results from a T to A substitution at nucleotide position 281. The leucine at codon 94 is replaced by histidine, an amino acid with similar properties. This amino acid position is conserved. In addition, the in silico prediction for this alteration is inconclusive. Based on the available evidence, the clinical significance of this variant remains unclear.

NM_016222.4(DDX41):c.281T>A (p.Leu94His)

Gene: DDX41 (DEAD-box helicase 41; minus strand). Cytogenetic location: 5q35.3.
Variant type: single nucleotide variant.
Coding change: c.281T>A on transcript NM_016222.4 (MANE Select); coding-DNA position 281, T replaced by A.
Protein change: p.Leu94His; replaces leucine 94 with histidine.
Molecular consequence: missense variant. On other transcripts: 5 prime UTR variant (2).
Genome position (GRCh38, 1-based): chr5:177,516,305, A>T on the plus strand (T>A on the coding strand, the complement: DDX41 is on the minus strand). VCF-style: chr5-177516305-A-T. GRCh37 (hg19) VCF-style: chr5-176943306-A-T.
Other names: c.-98T>A (NM_001321732.2, NM_001321830.2); short protein forms L94H.
Identifiers: ClinVar variation 4617217 (VCV004617217.1).